The following is an entry in ClinVar:

ClinVar aggregate classification (germline): Uncertain significance. Review status: criteria provided, multiple submitters, no conflicts (2 of 4 stars). 2 submissions from 2 submitters: Uncertain significance (2). Last evaluated 2026-06-08.

Conditions:
Cardiovascular phenotype. Identifiers: MedGen CN230736.
Desmin-related myofibrillar myopathy (MFM1). Also called: MYOFIBRILLAR MYOPATHY WITH ARRHYTHMOGENIC RIGHT VENTRICULAR CARDIOMYOPATHY; DESMIN-RELATED MYOPATHY WITH ARRHYTHMOGENIC RIGHT VENTRICULAR CARDIOMYOPATHY; Myofibrillar myopathy 1; Desminopathy; Desmin related myopathy (former name); Desmin storage myopathy (former name). Identifiers: Orphanet 363543, Orphanet 98909, MedGen C1832370, MONDO:0011076, OMIM 601419.

Allele frequency attached by ClinVar (database versions not stated): gnomAD exomes 0.00001; ExAC 0.00006; TOPMed 0.00001; gnomAD 0.00001.
gnomAD v4.1: 12 of 1,599,096 alleles (0.00075%); highest among the groups gnomAD compares: Admixed American, 0.0035%; no homozygotes.

Submissions (2):

Ambry Genetics
Classification: Uncertain significance for Cardiovascular phenotype. Last evaluated: 2026-06-08. Review status: criteria provided, single submitter. Criteria: Ambry Variant Classification Scheme 2023. Collection method: clinical testing. Allele origin: germline.
Comment: The c.1334C>T (p.T445M) alteration is located in exon 8 (coding exon 8) of the DES gene. This alteration results from a C to T substitution at nucleotide position 1334, causing the threonine (T) at amino acid position 445 to be replaced by a methionine (M). Based on data from gnomAD, the T allele has an overall frequency of 0.002% (4/227604) total alleles studied. The highest observed frequency was 0.015% (3/19856) of European (Finnish) alleles. This amino acid position is highly conserved in available vertebrate species. This alteration is predicted to be deleterious by in silico analysis. Based on insufficient or conflicting evidence, the clinical significance of this alteration remains unclear.

Labcorp Genetics (formerly Invitae), Labcorp
Classification: Uncertain significance for Desmin-related myofibrillar myopathy. Last evaluated: 2024-11-30. Review status: criteria provided, single submitter. Criteria: Invitae Variant Classification Sherloc (09022015). Collection method: clinical testing. Allele origin: germline.
Comment: This sequence change replaces threonine, which is neutral and polar, with methionine, which is neutral and non-polar, at codon 445 of the DES protein (p.Thr445Met). The frequency data for this variant in the population databases is considered unreliable, as metrics indicate poor data quality at this position in the gnomAD database. This variant has not been reported in the literature in individuals affected with DES-related conditions. ClinVar contains an entry for this variant (Variation ID: 2142464). Invitae Evidence Modeling of protein sequence and biophysical properties (such as structural, functional, and spatial information, amino acid conservation, physicochemical variation, residue mobility, and thermodynamic stability) has been performed for this missense variant. However, the output from this modeling did not meet the statistical confidence thresholds required to predict the impact of this variant on DES protein function. In summary, the available evidence is currently insufficient to determine the role of this variant in disease. Therefore, it has been classified as a Variant of Uncertain Significance.

NM_001927.4(DES):c.1334C>T (p.Thr445Met)

Gene: DES (desmin; plus strand). Cytogenetic location: 2q35.
Variant type: single nucleotide variant.
Coding change: c.1334C>T on transcript NM_001927.4 (MANE Select); coding-DNA position 1334, C replaced by T.
Protein change: p.Thr445Met; replaces threonine 445 with methionine.
Molecular consequence: missense variant.
Genome position (GRCh38, 1-based): chr2:219,425,708, C>T. VCF-style: chr2-219425708-C-T. GRCh37 (hg19) VCF-style: chr2-220290430-C-T.
Other names: c.1331C>T, p.Thr444Met (NM_001382708.1); c.902C>T, p.Thr301Met (NM_001382709.1); c.1265C>T, p.Thr422Met (NM_001382710.1); c.1313C>T, p.Thr438Met (NM_001382711.1); c.1334C>T, p.Thr445Met (NM_001382712.1); c.1064C>T, p.Thr355Met (NM_001382713.1); short protein forms T355M, T438M, T444M, T422M, T445M, T301M.
Identifiers: ClinVar variation 2142464 (VCV002142464.5), dbSNP rs147803084, ClinGen allele CA2125303.